The following is an entry in ClinVar:

ClinVar aggregate classification (germline): Uncertain significance (1 of 4 stars; one submission).

Submission:

Ambry Genetics
Classification: Uncertain significance. Last evaluated: 2021-12-11. Review status: criteria provided, single submitter. Criteria: Ambry Variant Classification Scheme 2023. Collection method: clinical testing. Allele origin: germline.
Comment: The p.Q110P variant (also known as c.329A>C), located in coding exon 1 of the EGLN2 gene, results from an A to C substitution at nucleotide position 329. The glutamine at codon 110 is replaced by proline, an amino acid with similar properties. This amino acid position is conserved. In addition, this alteration is predicted to be tolerated by in silico analysis. Since supporting evidence is limited at this time, the clinical significance of this alteration remains unclear.

NM_080732.4(EGLN2):c.329A>C (p.Gln110Pro)

Genes: EGLN2 (egl-9 family hypoxia inducible factor 2; plus strand), RAB4B-EGLN2 (RAB4B-EGLN2 readthrough (NMD candidate); plus strand). Cytogenetic location: 19q13.2.
Variant type: single nucleotide variant.
Coding change: c.329A>C on transcript NM_080732.4 (MANE Select); coding-DNA position 329, A replaced by C.
Protein change: p.Gln110Pro; replaces glutamine 110 with proline.
Molecular consequence: missense variant. On other transcripts: non-coding transcript variant (1).
Genome position (GRCh38, 1-based): chr19:40,800,901, A>C. VCF-style: chr19-40800901-A-C. GRCh37 (hg19) VCF-style: chr19-41306806-A-C.
Other names: c.329A>C, p.Gln110Pro (NM_053046.4); short protein forms Q110P.
Identifiers: ClinVar variation 1729914 (VCV001729914.2), dbSNP rs2515993599, ClinGen allele CA405955027.
Genomic context (GRCh38, chr19:40,800,901, plus strand): 5'-CGCTGCAGAGTGAAGGCGCTGCAGCGCTGGTCACCAAGGGGTGCCAGCGATTGGCAGCCC[A>C]GGGCGCACGGCCTGAGGCCCCCAAACGGAAATGGGCCGAGGATGGTGGGGATGCCCCTTC-3'
Protein context (NP_542770.2, residues 100-120): VTKGCQRLAA[Gln110Pro]GARPEAPKRK